The following is an entry in ClinVar:

NM_015021.3(ZNF292):c.3667C>G (p.Gln1223Glu)

Gene: ZNF292 (zinc finger protein 292; plus strand). Cytogenetic location: 6q14.3.
Variant type: single nucleotide variant.
Coding change: c.3667C>G on transcript NM_015021.3 (MANE Select); coding-DNA position 3667, C replaced by G.
Protein change: p.Gln1223Glu; replaces glutamine 1223 with glutamic acid.
Molecular consequence: missense variant.
Genome position (GRCh38, 1-based): chr6:87,257,296, C>G. VCF-style: chr6-87257296-C-G. GRCh37 (hg19) VCF-style: chr6-87967014-C-G.
Other names: c.3247C>G, p.Gln1083Glu (NM_001351444.2); c.3667C>G (NM_015021.1); short protein forms Q1083E, Q1223E.
Identifiers: ClinVar variation 3025762 (VCV003025762.23), dbSNP rs61739183, ClinGen allele CA3914155.
Genomic context (GRCh38, chr6:87,257,296, plus strand): 5'-TTGTTGTCCTCAATGGAAAGTGTCATAAATCCAAATATAACTTCTCAGGATAAAAATGAA[C>G]AAGGTGGTATGTTATGTTCCCAAATGGAAAATTTACCTAGTACTGCCTTGCCAGCACAAA-3'
Protein context (NP_055836.1, residues 1213-1233): PNITSQDKNE[Gln1223Glu]GGMLCSQMEN

ClinVar aggregate classification (germline): Likely benign. Review status: criteria provided, single submitter (1 of 4 stars). 2 submissions from 2 submitters: Likely benign (1). 1 of the submissions does not count toward it. Last evaluated 2025-01-01.

Conditions:
ZNF292-related disorder. Also called: ZNF292-related condition.

Allele frequency attached by ClinVar (database versions not stated): ExAC 0.00046; ESP Exome Variant Server 0.00192; TOPMed 0.00211; 1000 Genomes Project 30x 0.00219; gnomAD 0.00220; 1000 Genomes Project 0.00240.
gnomAD v4.1: 624 of 1,613,600 alleles (0.039%); highest among the groups gnomAD compares: African/African-American, 0.76%; 1 homozygote.

Submissions (2):

CeGaT Center for Human Genetics Tuebingen
Classification: Likely benign. Last evaluated: 2025-01-01. Review status: criteria provided, single submitter. Criteria: CeGaT Center For Human Genetics Tuebingen Variant Classification Criteria Version 2. Collection method: clinical testing. Allele origin: germline. Affected: yes. Observed: 2 variant alleles.
Comment: ZNF292: BP4, BS1

PreventionGenetics, part of Exact Sciences
Classification: Benign for ZNF292-related condition. Last evaluated: 2021-06-25. Review status: no assertion criteria provided. Collection method: clinical testing. Allele origin: germline. Not counted in ClinVar's aggregate classification.
Comment: This variant is classified as benign based on ACMG/AMP sequence variant interpretation guidelines (Richards et al. 2015 PMID: 25741868, with internal and published modifications).